The following is an entry in ClinVar:

NM_015338.6(ASXL1):c.2435G>A (p.Gly812Asp)

Gene: ASXL1 (ASXL transcriptional regulator 1; plus strand). Cytogenetic location: 20q11.21.
Variant type: single nucleotide variant.
Coding change: c.2435G>A on transcript NM_015338.6 (MANE Select); coding-DNA position 2435, G replaced by A.
Protein change: p.Gly812Asp; replaces glycine 812 with aspartic acid.
Molecular consequence: missense variant.
Genome position (GRCh38, 1-based): chr20:32,435,147, G>A. VCF-style: chr20-32435147-G-A. GRCh37 (hg19) VCF-style: chr20-31022950-G-A.
Other names: c.2252G>A, p.Gly751Asp (NM_001363734.1); short protein forms G751D, G812D.
Identifiers: ClinVar variation 4587864 (VCV004587864.1).

ClinVar aggregate classification (germline): Uncertain significance (1 of 4 stars; one submission).

Conditions:
Inborn genetic diseases. Identifiers: MedGen C0950123, MeSH D030342.

Submission:

Ambry Genetics
Classification: Uncertain significance for Inborn genetic diseases. Last evaluated: 2025-10-14. Review status: criteria provided, single submitter. Criteria: Ambry Variant Classification Scheme 2023. Collection method: clinical testing. Allele origin: germline.
Comment: The p.G812D variant (also known as c.2435G>A), located in coding exon 13 of the ASXL1 gene, results from a G to A substitution at nucleotide position 2435. The glycine at codon 812 is replaced by aspartic acid, an amino acid with similar properties. This amino acid position is conserved. In addition, this alteration is predicted to be tolerated by in silico analysis. Based on the available evidence, the clinical significance of this variant remains unclear.